The following is an entry in ClinVar:

ClinVar aggregate classification (germline): Uncertain significance (1 of 4 stars; one submission).

Conditions:
Congenital disorder of glycosylation type Ir (CDG1R). Also called: DDOST-congenital disorder of glycosylation. Identifiers: Orphanet 300536, MedGen C3281084, MONDO:0013789, OMIM 614507.

gnomAD v4.1: 1 of 1,614,168 alleles (0.000062%); highest among the groups gnomAD compares: Admixed American, 0.0017%; no homozygotes.

Submission:

Labcorp Genetics (formerly Invitae), Labcorp
Classification: Uncertain significance for Congenital disorder of glycosylation type Ir. Last evaluated: 2025-06-10. Review status: criteria provided, single submitter. Criteria: Invitae Variant Classification Sherloc (09022015). Collection method: clinical testing. Allele origin: germline.
Comment: This sequence change replaces valine, which is neutral and non-polar, with phenylalanine, which is neutral and non-polar, at codon 346 of the DDOST protein (p.Val346Phe). This variant is present in population databases (no rsID available, gnomAD 0.003%). This variant has not been reported in the literature in individuals affected with DDOST-related conditions. Invitae Evidence Modeling of protein sequence and biophysical properties (such as structural, functional, and spatial information, amino acid conservation, physicochemical variation, residue mobility, and thermodynamic stability) has been performed for this missense variant. However, the output from this modeling did not meet the statistical confidence thresholds required to predict the impact of this variant on DDOST protein function. In summary, the available evidence is currently insufficient to determine the role of this variant in disease. Therefore, it has been classified as a Variant of Uncertain Significance.

NM_005216.5(DDOST):c.985G>T (p.Val329Phe)

Gene: DDOST (dolichyl-diphosphooligosaccharide--protein glycosyltransferase non-catalytic subunit; minus strand). Cytogenetic location: 1p36.12.
Variant type: single nucleotide variant.
Coding change: c.985G>T on transcript NM_005216.5 (MANE Select); coding-DNA position 985, G replaced by T.
Protein change: p.Val329Phe; replaces valine 329 with phenylalanine.
Molecular consequence: missense variant.
Genome position (GRCh38, 1-based): chr1:20,652,929, C>A on the plus strand (G>T on the coding strand, the complement: DDOST is on the minus strand). VCF-style: chr1-20652929-C-A. GRCh37 (hg19) VCF-style: chr1-20979422-C-A.
Other names: short protein forms V329F.
Identifiers: ClinVar variation 4697325 (VCV004697325.1).